The following is an entry in ClinVar:

ClinVar aggregate classification (germline): Likely pathogenic (1 of 4 stars; one submission).

Conditions:
Pontocerebellar hypoplasia type 7. Identifiers: Orphanet 284339, MedGen C3554226, MONDO:0013993, OMIM 614969.

Allele frequency attached by ClinVar (database versions not stated): TOPMed 0.00001 and below 0.00001; gnomAD exomes 0.00001; gnomAD 0.00001; ExAC 0.00001.
gnomAD v4.1: 15 of 1,613,414 alleles (0.00093%); highest among the groups gnomAD compares: Non-Finnish European, 0.0013%; no homozygotes.

Submission:

Centre for Mendelian Genomics, University Medical Centre Ljubljana
Classification: Likely pathogenic for Pontocerebellar hypoplasia type 7. Last evaluated: 2019-08-21. Review status: criteria provided, single submitter. Criteria: ACMG Guidelines, 2015. Collection method: clinical testing. Allele origin: unknown. Affected: yes.
Comment: This variant was classified as: Likely pathogenic. The following ACMG criteria were applied in classifying this variant: PVS1,PM2,PP3.

NM_025077.4(TOE1):c.913-2A>G

Gene: TOE1 (target of EGR1, exonuclease; plus strand). Cytogenetic location: 1p34.1.
Variant type: single nucleotide variant.
Coding change: c.913-2A>G on transcript NM_025077.4 (MANE Select); the canonical splice acceptor site of the intron before coding-DNA position 913, A replaced by G.
Molecular consequence: splice acceptor variant.
Genome position (GRCh38, 1-based): chr1:45,343,080, A>G. VCF-style: chr1-45343080-A-G. GRCh37 (hg19) VCF-style: chr1-45808752-A-G.
Identifiers: ClinVar variation 930764 (VCV000930764.3), dbSNP rs779707076, ClinGen allele CA826725.